The following is an entry in ClinVar:

ClinVar aggregate classification (germline): Benign/Likely benign. Review status: criteria provided, multiple submitters, no conflicts (2 of 4 stars). 3 submissions from 3 submitters: Benign (1); Likely benign (2). Last evaluated 2025-03-12.

Conditions:
Renal cell carcinoma. Identifiers: Orphanet 217071, MedGen C0007134, MeSH D002292, MONDO:0005086, HP:0005584.
Hereditary cancer-predisposing syndrome. Also called: Hereditary Cancer Syndrome; Hereditary neoplastic syndrome; Neoplastic Syndromes, Hereditary; Tumor predisposition. Identifiers: Orphanet 140162, MedGen C0027672, MeSH D009386, MONDO:0015356.
Papillary renal cell carcinoma type 1 (RCCP1). Also called: Renal adenocarcinoma; Renal cell carcinoma 1; Renal cell carcinoma, somatic; RENAL CELL CARCINOMA, PAPILLARY, 1, SOMATIC. Identifiers: Orphanet 47044, MedGen C1336839, OMIM 605074, HP:0011797.

Allele frequency attached by ClinVar (database versions not stated): ExAC 0.00002; gnomAD exomes 0.00002.
gnomAD v4.1: 6 of 1,614,168 alleles (0.00037%); highest among the groups gnomAD compares: South Asian, 0.0044%; no homozygotes.

Submissions (3):

Labcorp Genetics (formerly Invitae), Labcorp
Classification: Likely benign for Renal cell carcinoma. Last evaluated: 2025-03-12. Review status: criteria provided, single submitter. Criteria: Invitae Variant Classification Sherloc (09022015). Collection method: clinical testing. Allele origin: germline.

Myriad Genetics, Inc.
Classification: Benign for Papillary renal cell carcinoma type 1. Last evaluated: 2024-11-14. Review status: criteria provided, single submitter. Criteria: Myriad Autosomal Dominant, Autosomal Recessive and X-Linked Classification Criteria (2023). Collection method: clinical testing. Allele origin: unknown.
Comment: This variant is considered benign. This variant is a silent/synonymous amino acid change and it is not expected to impact splicing.

Ambry Genetics
Classification: Likely benign for Hereditary cancer-predisposing syndrome. Last evaluated: 2021-09-16. Review status: criteria provided, single submitter. Criteria: Ambry Variant Classification Scheme 2023. Collection method: clinical testing. Allele origin: germline.

NM_000245.4(MET):c.3705T>C (p.Tyr1235=)

Gene: MET (MET proto-oncogene, receptor tyrosine kinase; plus strand). Cytogenetic location: 7q31.2.
Variant type: single nucleotide variant.
Coding change: c.3705T>C on transcript NM_000245.4 (MANE Select); coding-DNA position 3705, T replaced by C.
Protein change: p.Tyr1235=; no amino-acid change (tyrosine 1235 retained).
Molecular consequence: synonymous variant.
Genome position (GRCh38, 1-based): chr7:116,783,376, T>C. VCF-style: chr7-116783376-T-C. GRCh37 (hg19) VCF-style: chr7-116423430-T-C.
Other names: c.3759T>C (LRG_662t1); c.3759T>C, p.Tyr1253= (NM_001127500.3); c.2415T>C, p.Tyr805= (NM_001324402.2).
Identifiers: ClinVar variation 454245 (VCV000454245.13), dbSNP rs754467674, ClinGen allele CA4448766.
Genomic context (GRCh38, chr7:116,783,376, plus strand): 5'-ATTCACAGTCAAGGTTGCTGATTTTGGTCTTGCCAGAGACATGTATGATAAAGAATACTA[T>C]AGTGTACACAACAAAACAGGTGCAAAGCTGCCAGTGAAGTGGATGGCTTTGGAAAGTCTG-3'
Protein context (NP_000236.2, residues 1225-1245): LARDMYDKEY[Tyr1235=]SVHNKTGAKL